The following is an entry in ClinVar:

NM_016343.4(CENPF):c.751del (p.Glu251fs)

Gene: CENPF (centromere protein F; plus strand). Cytogenetic location: 1q41.
Variant type: Deletion.
Coding change: c.751del on transcript NM_016343.4 (MANE Select); coding-DNA position 751, one base deleted (G; older notation c.751delG).
Protein change: p.Glu251fs; shifts the reading frame from glutamic acid 251.
Molecular consequence: frameshift variant.
Genome position (GRCh38, 1-based): chr1:214,620,832, G deleted. VCF-style (leftmost placement, unchanged base first): chr1-214620831-AG-A. GRCh37 (hg19) VCF-style: chr1-214794174-AG-A.
Other names: c.751delG (NM_016343.4); short protein forms E251fs.
Identifiers: ClinVar variation 4845861 (VCV004845861.1).

ClinVar aggregate classification (germline): Likely pathogenic (1 of 4 stars; one submission).

Conditions:
Stromme syndrome (STROMS). Also called: Ciliary dyskinesia, primary, 31; APPLE PEEL SYNDROME WITH MICROCEPHALY AND OCULAR ANOMALIES; Strømme Syndrome. Identifiers: Orphanet 444069, Orphanet 506307, MedGen C1855705, MONDO:0009477, OMIM 243605.

Submission:

First Genomix Gene Laboratory, Genetic Diagnostics Department
Classification: Likely pathogenic for Stromme syndrome. Last evaluated: 2025-03-19. Review status: criteria provided, single submitter. Criteria: ACMG Guidelines, 2015. Collection method: clinical testing. Allele origin: germline. Inheritance: Autosomal recessive inheritance. Affected: no. Observed: 1 variant allele.